The following is an entry in ClinVar:

NM_021800.3(DNAJC12):c.77C>T (p.Ser26Leu)

Gene: DNAJC12 (DnaJ heat shock protein family (Hsp40) member C12; minus strand). Cytogenetic location: 10q21.3.
Variant type: single nucleotide variant.
Coding change: c.77C>T on transcript NM_021800.3 (MANE Select); coding-DNA position 77, C replaced by T.
Protein change: p.Ser26Leu; replaces serine 26 with leucine.
Molecular consequence: missense variant.
Genome position (GRCh38, 1-based): chr10:67,837,935, G>A on the plus strand (C>T on the coding strand, the complement: DNAJC12 is on the minus strand). VCF-style: chr10-67837935-G-A. GRCh37 (hg19) VCF-style: chr10-69597693-G-A.
Other names: c.77C>T, p.Ser26Leu (NM_201262.2); c.77C>T (NM_021800.2); short protein forms S26L.
Identifiers: ClinVar variation 1900845 (VCV001900845.3), dbSNP rs375331138, ClinGen allele CA5520945.

ClinVar aggregate classification (germline): Uncertain significance. Review status: criteria provided, multiple submitters, no conflicts (2 of 4 stars). 2 submissions from 2 submitters: Uncertain significance (2). Last evaluated 2025-09-22.

Conditions:
Inborn genetic diseases. Identifiers: MedGen C0950123, MeSH D030342.

Allele frequency attached by ClinVar (database versions not stated): gnomAD exomes 0.00001; TOPMed 0.00007; ESP Exome Variant Server 0.00008; ExAC 0.00002; gnomAD 0.00007.
gnomAD v4.1: 28 of 1,587,966 alleles (0.0018%); highest among the groups gnomAD compares: African/African-American, 0.019%; no homozygotes.

Submissions (2):

Ambry Genetics
Classification: Uncertain significance for Inborn genetic diseases. Last evaluated: 2025-09-22. Review status: criteria provided, single submitter. Criteria: Ambry Variant Classification Scheme 2023. Collection method: clinical testing. Allele origin: germline.

Labcorp Genetics (formerly Invitae), Labcorp
Classification: Uncertain significance. Last evaluated: 2022-07-02. Review status: criteria provided, single submitter. Criteria: Invitae Variant Classification Sherloc (09022015). Collection method: clinical testing. Allele origin: germline.
Comment: This sequence change replaces serine, which is neutral and polar, with leucine, which is neutral and non-polar, at codon 26 of the DNAJC12 protein (p.Ser26Leu). This variant is present in population databases (rs375331138, gnomAD 0.01%). This variant has not been reported in the literature in individuals affected with DNAJC12-related conditions. Algorithms developed to predict the effect of missense changes on protein structure and function (SIFT, PolyPhen-2, Align-GVGD) all suggest that this variant is likely to be disruptive. In summary, the available evidence is currently insufficient to determine the role of this variant in disease. Therefore, it has been classified as a Variant of Uncertain Significance.